The following is an entry in ClinVar:

NM_203447.4(DOCK8):c.2605+100G>T

Gene: DOCK8 (dedicator of cytokinesis 8; plus strand). Cytogenetic location: 9p24.3.
Variant type: single nucleotide variant.
Coding change: c.2605+100G>T on transcript NM_203447.4 (MANE Select); 100 bases into the intron after coding-DNA position 2605, G replaced by T.
Molecular consequence: intron variant.
Genome position (GRCh38, 1-based): chr9:380,035, G>T. VCF-style: chr9-380035-G-T. GRCh37 (hg19) VCF-style: chr9-380035-G-T.
Other names: c.2401+100G>T (NM_001193536.2, NM_001190458.2).
Identifiers: ClinVar variation 675026 (VCV000675026.4), dbSNP rs11790531, ClinGen allele CA13041931.

ClinVar aggregate classification (germline): Benign. Review status: criteria provided, multiple submitters, no conflicts (2 of 4 stars). 3 submissions from 3 submitters: Benign (3). Last evaluated 2023-11-12.

Allele frequency attached by ClinVar (database versions not stated): gnomAD exomes 0.20339; 1000 Genomes Project 0.28794; gnomAD 0.29183 and 0.29835; TOPMed 0.31099.
gnomAD v4.1: 144,910 of 1,058,018 alleles (14%); highest among the groups gnomAD compares: African/African-American, 46%; 20,592 homozygotes.

Submissions (3):

Unidad de Genómica Garrahan, Hospital de Pediatría Garrahan
Classification: Benign. Last evaluated: 2023-11-12. Review status: criteria provided, single submitter. Criteria: ACMG Guidelines, 2015. Collection method: clinical testing. Allele origin: germline. Affected: no. Observed: 29 variant alleles.
Comment: This variant is classified as Benign based on local population frequency. This variant was detected in 30% of patients studied by a panel of primary immunodeficiencies. Number of patients: 29. Only high quality variants are reported.

GeneDx
Classification: Benign. Last evaluated: 2018-06-16. Review status: criteria provided, single submitter. Criteria: GeneDx Variant Classification (06012015). Collection method: clinical testing. Allele origin: germline. Affected: yes.
Comment: This variant is considered likely benign or benign based on one or more of the following criteria: it is a conservative change, it occurs at a poorly conserved position in the protein, it is predicted to be benign by multiple in silico algorithms, and/or has population frequency not consistent with disease.

Breakthrough Genomics
Classification: Benign. Review status: criteria provided, single submitter. Criteria: ACMG Guidelines, 2015. Collection method: not provided. Allele origin: germline. Inheritance: Autosomal recessive inheritance. Affected: yes.